The following is an entry in ClinVar:

NM_003072.5(SMARCA4):c.4814C>T (p.Ala1605Val)

Gene: SMARCA4 (SWI/SNF related BAF chromatin remodeling complex subunit ATPase 4; plus strand). Cytogenetic location: 19p13.2.
Variant type: single nucleotide variant.
Coding change: c.4814C>T on transcript NM_003072.5 (MANE Select); coding-DNA position 4814, C replaced by T.
Protein change: p.Ala1605Val; replaces alanine 1605 with valine.
Molecular consequence: missense variant. On other transcripts: non-coding transcript variant (1).
Genome position (GRCh38, 1-based): chr19:11,060,090, C>T. VCF-style: chr19-11060090-C-T. GRCh37 (hg19) VCF-style: chr19-11170766-C-T.
Other names: c.4910C>T (NM_001128849.1); c.4814C>T, p.Ala1605Val (NM_001128844.3); c.4724C>T, p.Ala1575Val (NM_001128845.2); c.4721C>T, p.Ala1574Val (NM_001128846.2); c.4715C>T, p.Ala1572Val (NM_001128847.4, NM_001374457.1); c.4712C>T, p.Ala1571Val (NM_001128848.2); c.4910C>T, p.Ala1637Val (NM_001128849.3); short protein forms A1571V, A1572V, A1574V, A1575V, A1605V, A1637V.
Identifiers: ClinVar variation 1016728 (VCV001016728.9), dbSNP rs2076775823, ClinGen allele CA404080484.

ClinVar aggregate classification (germline): Uncertain significance. Review status: criteria provided, multiple submitters, no conflicts (2 of 4 stars). 2 submissions from 2 submitters: Uncertain significance (2). Last evaluated 2025-10-22.

Conditions:
Hereditary cancer-predisposing syndrome. Also called: Tumor predisposition; Neoplastic Syndromes, Hereditary; Hereditary neoplastic syndrome; Hereditary Cancer Syndrome. Identifiers: Orphanet 140162, MedGen C0027672, MeSH D009386, MONDO:0015356.
Rhabdoid tumor predisposition syndrome 2 (RTPS2). Identifiers: Orphanet 231108, Orphanet 69077, MedGen C2750074, MONDO:0013224, OMIM 613325.

gnomAD v4.1: 2 of 1,553,254 alleles (0.00013%); highest among the groups gnomAD compares: African/African-American, 0.0014%; no homozygotes.

Submissions (2):

Ambry Genetics
Classification: Uncertain significance for Hereditary cancer-predisposing syndrome. Last evaluated: 2025-10-22. Review status: criteria provided, single submitter. Criteria: Ambry Variant Classification Scheme 2023. Collection method: clinical testing. Allele origin: germline.
Comment: The p.A1637V variant (also known as c.4910C>T), located in coding exon 34 of the SMARCA4 gene, results from a C to T substitution at nucleotide position 4910. The alanine at codon 1637 is replaced by valine, an amino acid with similar properties. This amino acid position is conserved. In addition, the in silico prediction for this alteration is inconclusive. Based on the available evidence, the clinical significance of this variant remains unclear.

Labcorp Genetics (formerly Invitae), Labcorp
Classification: Uncertain significance for Rhabdoid tumor predisposition syndrome 2. Last evaluated: 2024-09-11. Review status: criteria provided, single submitter. Criteria: Invitae Variant Classification Sherloc (09022015). Collection method: clinical testing. Allele origin: germline.
Comment: This sequence change replaces alanine, which is neutral and non-polar, with valine, which is neutral and non-polar, at codon 1637 of the SMARCA4 protein (p.Ala1637Val). This variant is not present in population databases (gnomAD no frequency). This variant has not been reported in the literature in individuals affected with SMARCA4-related conditions. ClinVar contains an entry for this variant (Variation ID: 1016728). Invitae Evidence Modeling of protein sequence and biophysical properties (such as structural, functional, and spatial information, amino acid conservation, physicochemical variation, residue mobility, and thermodynamic stability) indicates that this missense variant is not expected to disrupt SMARCA4 protein function with a negative predictive value of 95%. In summary, the available evidence is currently insufficient to determine the role of this variant in disease. Therefore, it has been classified as a Variant of Uncertain Significance.